The following is an entry in ClinVar:

NM_014989.7(RIMS1):c.3964-3T>C

Gene: RIMS1 (regulating synaptic membrane exocytosis 1; plus strand). Cytogenetic location: 6q13.
Variant type: single nucleotide variant.
Coding change: c.3964-3T>C on transcript NM_014989.7 (MANE Select); 3 bases into the intron before coding-DNA position 3964, T replaced by C.
Molecular consequence: intron variant.
Genome position (GRCh38, 1-based): chr6:72,313,503, T>C. VCF-style: chr6-72313503-T-C. GRCh37 (hg19) VCF-style: chr6-73023206-T-C.
Other names: c.1744+21457T>C (NM_001350428.2); c.1786-3T>C (NM_001350459.2); c.1672+21457T>C (NM_001350424.2); c.1867-3T>C (NM_001350437.2); c.1741+21457T>C (NM_001350430.2, NM_001168408.2); c.1783-3T>C (NM_001350421.2); c.1669+21457T>C (NM_001350450.2); c.1933-3T>C (NM_001350458.2); and 51 more.
Identifiers: ClinVar variation 2797715 (VCV002797715.3), dbSNP rs368768929, ClinGen allele CA3886413.

ClinVar aggregate classification (germline): Uncertain significance (1 of 4 stars; one submission).

Allele frequency attached by ClinVar (database versions not stated): gnomAD 0.00002; TOPMed 0.00002; gnomAD exomes 0.00003; ExAC 0.00004; ESP Exome Variant Server 0.00008.
gnomAD v4.1: 51 of 1,611,950 alleles (0.0032%); highest among the groups gnomAD compares: Non-Finnish European, 0.0041%; no homozygotes.

Submission:

Labcorp Genetics (formerly Invitae), Labcorp
Classification: Uncertain significance. Last evaluated: 2023-09-17. Review status: criteria provided, single submitter. Criteria: Invitae Variant Classification Sherloc (09022015). Collection method: clinical testing. Allele origin: germline.
Comment: In summary, the available evidence is currently insufficient to determine the role of this variant in disease. Therefore, it has been classified as a Variant of Uncertain Significance. Variants that disrupt the consensus splice site are a relatively common cause of aberrant splicing (PMID: 17576681, 9536098). Algorithms developed to predict the effect of sequence changes on RNA splicing suggest that this variant is not likely to affect RNA splicing. This variant has not been reported in the literature in individuals affected with RIMS1-related conditions. This variant is present in population databases (rs368768929, gnomAD 0.007%). This sequence change falls in intron 27 of the RIMS1 gene. It does not directly change the encoded amino acid sequence of the RIMS1 protein. It affects a nucleotide within the consensus splice site.

Literature cited by the submitters: PubMed 17576681; PubMed 9536098.